The following is an entry in ClinVar:

ClinVar aggregate classification (germline): Uncertain significance (1 of 4 stars; one submission).

Conditions:
Perlman syndrome (PRLMNS). Identifiers: Orphanet 2849, MedGen C0796113, MONDO:0009965, OMIM 267000.

Submission:

Labcorp Genetics (formerly Invitae), Labcorp
Classification: Uncertain significance for Perlman syndrome. Last evaluated: 2020-09-15. Review status: criteria provided, single submitter. Criteria: Invitae Variant Classification Sherloc (09022015). Collection method: clinical testing. Allele origin: germline.
Comment: This sequence change replaces threonine with alanine at codon 884 of the DIS3L2 protein (p.Thr884Ala). The threonine residue is weakly conserved and there is a small physicochemical difference between threonine and alanine. This variant is not present in population databases (ExAC no frequency). This variant has not been reported in the literature in individuals with DIS3L2-related conditions. Algorithms developed to predict the effect of missense changes on protein structure and function output the following: SIFT: "Deleterious"; PolyPhen-2: "Not Available"; Align-GVGD: "Class C0". The alanine amino acid residue is found in multiple mammalian species, suggesting that this missense change does not adversely affect protein function. These predictions have not been confirmed by published functional studies and their clinical significance is uncertain. In summary, the available evidence is currently insufficient to determine the role of this variant in disease. Therefore, it has been classified as a Variant of Uncertain Significance.

NM_152383.5(DIS3L2):c.2650A>G (p.Thr884Ala)

Gene: DIS3L2 (DIS3 like 3'-5' exoribonuclease 2; plus strand). Cytogenetic location: 2q37.1.
Variant type: single nucleotide variant.
Coding change: c.2650A>G on transcript NM_152383.5 (MANE Select); coding-DNA position 2650, A replaced by G.
Protein change: p.Thr884Ala; replaces threonine 884 with alanine.
Molecular consequence: missense variant. On other transcripts: non-coding transcript variant (2), intron variant (1).
Genome position (GRCh38, 1-based): chr2:232,336,622, A>G. VCF-style: chr2-232336622-A-G. GRCh37 (hg19) VCF-style: chr2-233201332-A-G.
Other names: c.1582-6723A>G (NM_001257281.2); short protein forms T884A.
Identifiers: ClinVar variation 1009048 (VCV001009048.8), dbSNP rs1695960618, ClinGen allele CA350979149.